The following is an entry in ClinVar:

ClinVar aggregate classification (germline): Conflicting classifications of pathogenicity. Review status: criteria provided, conflicting classifications (1 of 4 stars). 2 submissions from 2 submitters: Uncertain significance (1); Likely benign (1). Last evaluated 2023-11-13.

Conditions:
Perlman syndrome (PRLMNS). Identifiers: Orphanet 2849, MedGen C0796113, MONDO:0009965, OMIM 267000.

gnomAD v4.1: 2 of 1,550,106 alleles (0.00013%); highest among the groups gnomAD compares: Non-Finnish European, 0.00017%; no homozygotes.

Submissions (2):

Labcorp Genetics (formerly Invitae), Labcorp
Classification: Likely benign for Perlman syndrome. Last evaluated: 2023-11-13. Review status: criteria provided, single submitter. Criteria: Invitae Variant Classification Sherloc (09022015). Collection method: clinical testing. Allele origin: germline.

Sema4
Classification: Uncertain significance for Perlman syndrome. Last evaluated: 2021-08-19. Review status: criteria provided, single submitter. Criteria: Sema4 Curation Guidelines. Collection method: curation. Allele origin: germline.
Comment: The DIS3L2 c.2395-13G>T variant has not been reported in the literature to our knowledge. It was observed in 1/59624 chromosomes of the Non-Finnish European subpopulation in the large and broad cohorts of the Genome Aggregation Database (PMID: 32461654). The variant has not been reported in ClinVar. This variant does not overlap a splice site and algorithms developed to predict the effect of sequence changes on RNA splicing do not suggest negative effect on normal splicing. The evidence is insufficient to meet ACMG/AMP criteria for classifying the variant as benign or pathogenic. Thus, the clinical significance of this variant is currently uncertain.

NM_152383.5(DIS3L2):c.2395-13G>T

Gene: DIS3L2 (DIS3 like 3'-5' exoribonuclease 2; plus strand). Cytogenetic location: 2q37.1.
Variant type: single nucleotide variant.
Coding change: c.2395-13G>T on transcript NM_152383.5 (MANE Select); 13 bases into the intron before coding-DNA position 2395, G replaced by T.
Molecular consequence: intron variant.
Genome position (GRCh38, 1-based): chr2:232,335,760, G>T. VCF-style: chr2-232335760-G-T. GRCh37 (hg19) VCF-style: chr2-233200470-G-T.
Other names: c.1582-7585G>T (NM_001257281.2).
Identifiers: ClinVar variation 1622038 (VCV001622038.10), dbSNP rs374738789, ClinGen allele CA2164544.